The following is an entry in ClinVar:

NM_001376.5(DYNC1H1):c.6619-251C>T

Gene: DYNC1H1 (dynein cytoplasmic 1 heavy chain 1; plus strand). Cytogenetic location: 14q32.31.
Variant type: single nucleotide variant.
Coding change: c.6619-251C>T on transcript NM_001376.5 (MANE Select); 251 bases into the intron before coding-DNA position 6619, C replaced by T.
Molecular consequence: intron variant.
Genome position (GRCh38, 1-based): chr14:102,011,624, C>T. VCF-style: chr14-102011624-C-T. GRCh37 (hg19) VCF-style: chr14-102477961-C-T.
Identifiers: ClinVar variation 673453 (VCV000673453.1), dbSNP rs2720197, ClinGen allele CA14052610.

ClinVar aggregate classification (germline): Likely benign (1 of 4 stars; one submission).

Allele frequency attached by ClinVar (database versions not stated): gnomAD exomes 0.00129; gnomAD 0.01008 and 0.01075; 1000 Genomes Project 0.01058; TOPMed 0.01125; 1000 Genomes Project 30x 0.01156.
gnomAD v4.1: 1,997 of 509,824 alleles (0.39%); highest among the groups gnomAD compares: African/African-American, 3.5%; 25 homozygotes.

Submission:

GeneDx
Classification: Likely benign. Last evaluated: 2018-06-16. Review status: criteria provided, single submitter. Criteria: GeneDx Variant Classification (06012015). Collection method: clinical testing. Allele origin: germline. Affected: yes.
Comment: This variant is considered likely benign or benign based on one or more of the following criteria: it is a conservative change, it occurs at a poorly conserved position in the protein, it is predicted to be benign by multiple in silico algorithms, and/or has population frequency not consistent with disease.